The following is an entry in ClinVar:

NM_003070.5(SMARCA2):c.2550G>T (p.Val850=)

Gene: SMARCA2 (SWI/SNF related BAF chromatin remodeling complex subunit ATPase 2; plus strand). Cytogenetic location: 9p24.3.
Variant type: single nucleotide variant.
Coding change: c.2550G>T on transcript NM_003070.5 (MANE Select); coding-DNA position 2550, G replaced by T.
Protein change: p.Val850=; no amino-acid change (valine 850 retained).
Molecular consequence: synonymous variant.
Genome position (GRCh38, 1-based): chr9:2,086,852, G>T. VCF-style: chr9-2086852-G-T. GRCh37 (hg19) VCF-style: chr9-2086852-G-T.
Other names: c.2550G>T, p.Val850= (NM_001289396.2, NM_001289397.2, NM_139045.4).
Identifiers: ClinVar variation 2998221 (VCV002998221.6), dbSNP rs367639859, ClinGen allele CA187936027.

ClinVar aggregate classification (germline): Likely benign. Review status: criteria provided, multiple submitters, no conflicts (2 of 4 stars). 3 submissions from 3 submitters: Likely benign (2). 1 of the submissions does not count toward it. Last evaluated 2024-11-21.

Conditions:
SMARCA2-related disorder. Also called: SMARCA2-related condition.

Allele frequency attached by ClinVar (database versions not stated): gnomAD 0.00002; TOPMed 0.00004; gnomAD exomes 0.00007.
gnomAD v4.1: 105 of 1,613,910 alleles (0.0065%); highest among the groups gnomAD compares: Non-Finnish European, 0.0087%; no homozygotes.

Submissions (3):

Blueprint Genetics
Classification: Likely benign. Last evaluated: 2024-11-21. Review status: criteria provided, single submitter. Criteria: ACMG Guidelines, 2015. Collection method: clinical testing. Allele origin: germline.

Labcorp Genetics (formerly Invitae), Labcorp
Classification: Likely benign. Last evaluated: 2024-09-04. Review status: criteria provided, single submitter. Criteria: Invitae Variant Classification Sherloc (09022015). Collection method: clinical testing. Allele origin: germline.

PreventionGenetics, part of Exact Sciences
Classification: Likely benign for SMARCA2-related condition. Last evaluated: 2019-05-30. Review status: no assertion criteria provided. Collection method: clinical testing. Allele origin: germline. Not counted in ClinVar's aggregate classification.
Comment: This variant is classified as likely benign based on ACMG/AMP sequence variant interpretation guidelines (Richards et al. 2015 PMID: 25741868, with internal and published modifications).